The following is an entry in ClinVar:

ClinVar aggregate classification (germline): Uncertain significance (1 of 4 stars; one submission).

Submission:

Labcorp Genetics (formerly Invitae), Labcorp
Classification: Uncertain significance. Last evaluated: 2022-11-23. Review status: criteria provided, single submitter. Criteria: Invitae Variant Classification Sherloc (09022015). Collection method: clinical testing. Allele origin: germline.
Comment: Algorithms developed to predict the effect of missense changes on protein structure and function are either unavailable or do not agree on the potential impact of this missense change (SIFT: "Deleterious"; PolyPhen-2: "Probably Damaging"; Align-GVGD: "Class C0"). In summary, the available evidence is currently insufficient to determine the role of this variant in disease. Therefore, it has been classified as a Variant of Uncertain Significance. This variant has not been reported in the literature in individuals affected with AP2M1-related conditions. This sequence change replaces cysteine, which is neutral and slightly polar, with glycine, which is neutral and non-polar, at codon 251 of the AP2M1 protein (p.Cys251Gly). This variant is not present in population databases (gnomAD no frequency).

NM_004068.4(AP2M1):c.751T>G (p.Cys251Gly)

Gene: AP2M1 (adaptor related protein complex 2 subunit mu 1; plus strand). Cytogenetic location: 3q27.1.
Variant type: single nucleotide variant.
Coding change: c.751T>G on transcript NM_004068.4 (MANE Select); coding-DNA position 751, T replaced by G.
Protein change: p.Cys251Gly; replaces cysteine 251 with glycine.
Molecular consequence: missense variant.
Genome position (GRCh38, 1-based): chr3:184,181,739, T>G. VCF-style: chr3-184181739-T-G. GRCh37 (hg19) VCF-style: chr3-183899527-T-G.
Other names: c.745T>G, p.Cys249Gly (NM_001025205.2); c.826T>G, p.Cys276Gly (NM_001311198.2); short protein forms C251G, C276G, C249G.
Identifiers: ClinVar variation 2814851 (VCV002814851.3), dbSNP rs2473725277, ClinGen allele CA355427089.
Genomic context (GRCh38, chr3:184,181,739, plus strand): 5'-TCTGCCCCTGCTTGCAGCGGGAAGCAATCAATTGCCATTGATGACTGCACCTTCCACCAG[T>G]GTGTGCGACTCAGCAAGTTTGACTCTGAACGCAGCATCAGCTTTATCCCGCCAGATGGAG-3'
Protein context (NP_004059.2, residues 241-261): IAIDDCTFHQ[Cys251Gly]VRLSKFDSER